The following is an entry in ClinVar:

NM_006767.4(LZTR1):c.607del (p.Trp203fs)

Gene: LZTR1 (leucine zipper like post translational regulator 1; plus strand). Cytogenetic location: 22q11.21.
Variant type: Deletion.
Coding change: c.607del on transcript NM_006767.4 (MANE Select); coding-DNA position 607, one base deleted (T; older notation c.607delT).
Protein change: p.Trp203fs; shifts the reading frame from tryptophan 203.
Molecular consequence: frameshift variant.
Genome position (GRCh38, 1-based): chr22:20,989,638, T deleted. VCF-style (leftmost placement, unchanged base first): chr22-20989637-GT-G. GRCh37 (hg19) VCF-style: chr22-21343926-GT-G.
Other names: short protein forms W203fs.
Identifiers: ClinVar variation 1751435 (VCV001751435.2), dbSNP rs2518614874, ClinGen allele CA2580099194.
Genomic context (GRCh38, chr22:20,989,637, plus strand): 5'-CCCTGACCACCAGACCCAAGGGGTCCTCACTGGTCTGTCCTAATACAGGTTGAATGACAT[GT>G]GGACAATTGGCCTCCAGGACCGAGAGCTCACCTGCTGGGAGGAGGTGAGGGGCGTGGGGA-3'

ClinVar aggregate classification (germline): Pathogenic (1 of 4 stars; one submission).

Conditions:
Cardiovascular phenotype. Identifiers: MedGen CN230736.
Hereditary cancer-predisposing syndrome. Also called: Hereditary Cancer Syndrome; Hereditary neoplastic syndrome; Neoplastic Syndromes, Hereditary; Tumor predisposition. Identifiers: Orphanet 140162, MedGen C0027672, MeSH D009386, MONDO:0015356.

Submission:

Ambry Genetics
Classification: Pathogenic for Cardiovascular phenotype; Hereditary cancer-predisposing syndrome. Last evaluated: 2022-08-29. Review status: criteria provided, single submitter. Criteria: Ambry Variant Classification Scheme 2023. Collection method: clinical testing. Allele origin: germline.
Comment: The c.607delT pathogenic mutation, located in coding exon 7 of the LZTR1 gene, results from a deletion of one nucleotide at nucleotide position 607, causing a translational frameshift with a predicted alternate stop codon (p.W203Gfs*49). This alteration is expected to result in loss of function by premature protein truncation or nonsense-mediated mRNA decay. Loss-of-function variants in LZTR1 are related to an increased risk for schwannomas and autosomal recessive Noonan syndrome; however, such associations with autosomal dominant Noonan syndrome have not been observed (Piotrowski A et al. Nat Genet. 2014 Feb;46:182-7; Yamamoto GL et al. J Med Genet. 2015 Jun;52:413-21; Johnston JJ et al. Genet Med. 2018 10;20:1175-1185). Based on the supporting evidence, this variant is pathogenic for an increased risk of LZTR1-related schwannomatosis (SWN) and would be expected to cause autosomal recessive Noonan syndrome when present along with a second pathogenic or likely pathogenic variant on the other allele; however, the association of this alteration with autosomal dominant Noonan syndrome is unlikely.